The following is an entry in ClinVar:

NM_007289.4(MME):c.25G>C (p.Asp9His)

Gene: MME (membrane metalloendopeptidase; plus strand). Cytogenetic location: 3q25.2.
Variant type: single nucleotide variant.
Coding change: c.25G>C on transcript NM_007289.4 (MANE Select); coding-DNA position 25, G replaced by C.
Protein change: p.Asp9His; replaces aspartic acid 9 with histidine.
Molecular consequence: missense variant.
Genome position (GRCh38, 1-based): chr3:155,084,192, G>C. VCF-style: chr3-155084192-G-C. GRCh37 (hg19) VCF-style: chr3-154801981-G-C.
Other names: c.25G>C, p.Asp9His (NM_001354642.2, NM_001354643.1, NM_001354644.1 and 3 more transcripts); c.25G>C (NM_007289.2); short protein forms D9H.
Identifiers: ClinVar variation 1391518 (VCV001391518.5), dbSNP rs370911005, ClinGen allele CA2674989.

ClinVar aggregate classification (germline): Uncertain significance. Review status: criteria provided, multiple submitters, no conflicts (2 of 4 stars). 3 submissions from 3 submitters: Uncertain significance (2). 1 of the submissions does not count toward it. Last evaluated 2024-11-06.

Conditions:
MME-related disorder. Also called: MME-related condition.

Allele frequency attached by ClinVar (database versions not stated): TOPMed below 0.00001; gnomAD 0.00001; gnomAD exomes 0.00001 and 0.00002; ExAC 0.00002; ESP Exome Variant Server 0.00008.
gnomAD v4.1: 6 of 1,613,884 alleles (0.00037%); highest among the groups gnomAD compares: Admixed American, 0.0083%; no homozygotes.

Submissions (3):

Blueprint Genetics
Classification: Uncertain significance. Last evaluated: 2024-11-06. Review status: criteria provided, single submitter. Criteria: ACMG Guidelines, 2015. Collection method: clinical testing. Allele origin: germline.

Labcorp Genetics (formerly Invitae), Labcorp
Classification: Uncertain significance. Last evaluated: 2021-10-29. Review status: criteria provided, single submitter. Criteria: Invitae Variant Classification Sherloc (09022015). Collection method: clinical testing. Allele origin: germline.
Comment: This sequence change replaces aspartic acid, which is acidic and polar, with histidine, which is basic and polar, at codon 9 of the MME protein (p.Asp9His). This variant is present in population databases (rs370911005, gnomAD 0.01%). This variant has not been reported in the literature in individuals affected with MME-related conditions. Algorithms developed to predict the effect of missense changes on protein structure and function are either unavailable or do not agree on the potential impact of this missense change (SIFT: "Deleterious"; PolyPhen-2: "Benign"; Align-GVGD: "Class C0"). In summary, the available evidence is currently insufficient to determine the role of this variant in disease. Therefore, it has been classified as a Variant of Uncertain Significance.

PreventionGenetics, part of Exact Sciences
Classification: Uncertain significance for MME-related condition. Last evaluated: 2024-05-02. Review status: no assertion criteria provided. Collection method: clinical testing. Allele origin: germline. Not counted in ClinVar's aggregate classification.
Comment: The MME c.25G>C variant is predicted to result in the amino acid substitution p.Asp9His. To our knowledge, this variant has not been reported in the literature. This variant is reported in 0.012% of alleles in individuals of Latino descent in gnomAD. At this time, the clinical significance of this variant is uncertain due to the absence of conclusive functional and genetic evidence.